The following is an entry in ClinVar:

ClinVar aggregate classification (germline): Uncertain significance (1 of 4 stars; one submission).

Allele frequency attached by ClinVar (database versions not stated): gnomAD exomes 0.00001.
gnomAD v4.1: 3 of 1,614,140 alleles (0.00019%); highest among the groups gnomAD compares: Admixed American, 0.0017%; no homozygotes.

Submission:

GeneDx
Classification: Uncertain significance. Last evaluated: 2017-06-09. Review status: criteria provided, single submitter. Criteria: GeneDx Variant Classification (06012015). Collection method: clinical testing. Allele origin: germline. Affected: yes.
Comment: The P89S variant has not been published as a pathogenic variant, nor has it been reported as a benign variant to our knowledge. The P89S variant is not observed in large population cohorts (Lek et al., 2016; 1000 Genomes Consortium et al., 2015; Exome Variant Server). This variant is a non-conservative amino acid substitution, which is likely to impact secondary protein structure as these residues differ in polarity, charge, size and/or other properties. This substitution occurs at a position that is conserved in mammals. However, missense variants in nearby residues have not been reported in the Human Gene Mutation Database in association with vLINCL (Stenson et al., 2014). In silico analysis is inconsistent in its predictions as to whether or not the variant is damaging to the protein structure/function.

NM_018941.4(CLN8):c.265C>T (p.Pro89Ser)

Gene: CLN8 (CLN8 transmembrane ER and ERGIC protein; plus strand). Cytogenetic location: 8p23.3.
Variant type: single nucleotide variant.
Coding change: c.265C>T on transcript NM_018941.4 (MANE Select); coding-DNA position 265, C replaced by T.
Protein change: p.Pro89Ser; replaces proline 89 with serine.
Molecular consequence: missense variant.
Genome position (GRCh38, 1-based): chr8:1,771,319, C>T. VCF-style: chr8-1771319-C-T. GRCh37 (hg19) VCF-style: chr8-1719485-C-T.
Other names: short protein forms P89S.
Identifiers: ClinVar variation 432562 (VCV000432562.2), dbSNP rs1486320972, ClinGen allele CA369953203.